The following is an entry in ClinVar:

NM_007373.4(SHOC2):c.1318C>A (p.Leu440Ile)

Gene: SHOC2 (SHOC2 leucine rich repeat scaffold protein; plus strand). Cytogenetic location: 10q25.2.
Variant type: single nucleotide variant.
Coding change: c.1318C>A on transcript NM_007373.4 (MANE Select); coding-DNA position 1318, C replaced by A.
Protein change: p.Leu440Ile; replaces leucine 440 with isoleucine.
Molecular consequence: missense variant. On other transcripts: non-coding transcript variant (1).
Genome position (GRCh38, 1-based): chr10:111,009,281, C>A. VCF-style: chr10-111009281-C-A. GRCh37 (hg19) VCF-style: chr10-112769039-C-A.
Other names: c.1180C>A, p.Leu394Ile (NM_001269039.3); c.1318C>A, p.Leu440Ile (NM_001324336.2, NM_001324337.2); short protein forms L394I, L440I.
Identifiers: ClinVar variation 1306308 (VCV001306308.16), dbSNP rs759910472, ClinGen allele CA5689757.
Genomic context (GRCh38, chr10:111,009,281, plus strand): 5'-TAAACATTATCAATAATTTCTCATTAGGTTCTTATCTTATCAAACAATCTTCTAAAGAAG[C>A]TTCCCCATGGTCTTGGAAACCTTAGGAAGTTAAGAGAGTTGGATCTAGAAGAGAACAAAT-3'
Protein context (NP_031399.2, residues 430-450): LILSNNLLKK[Leu440Ile]PHGLGNLRKL

ClinVar aggregate classification (germline): Uncertain significance. Review status: criteria provided, multiple submitters, no conflicts (2 of 4 stars). 6 submissions from 6 submitters: Uncertain significance (6). Last evaluated 2025-12-02.

Conditions:
Cardiovascular phenotype. Identifiers: MedGen CN230736.
RASopathy. Also called: rasopathies; Noonan spectrum disorder. Identifiers: Orphanet 536391, MedGen C5555857, MONDO:0021060.

Allele frequency attached by ClinVar (database versions not stated): gnomAD exomes 0.00001; ExAC 0.00002; gnomAD 0.00003 and 0.00004; TOPMed 0.00003.
gnomAD v4.1: 12 of 1,584,810 alleles (0.00076%); highest among the groups gnomAD compares: African/African-American, 0.0013%; no homozygotes.

Submissions (6):

Ambry Genetics
Classification: Uncertain significance for Cardiovascular phenotype. Last evaluated: 2025-12-02. Review status: criteria provided, single submitter. Criteria: Ambry Variant Classification Scheme 2023. Collection method: clinical testing. Allele origin: germline.
Comment: The p.L440I variant (also known as c.1318C>A), located in coding exon 6 of the SHOC2 gene, results from a C to A substitution at nucleotide position 1318. The leucine at codon 440 is replaced by isoleucine, an amino acid with highly similar properties. This amino acid position is conserved. In addition, this alteration is predicted to be tolerated by in silico analysis. Since supporting evidence is limited at this time, the clinical significance of this alteration remains unclear.

Labcorp Genetics (formerly Invitae), Labcorp
Classification: Uncertain significance for RASopathy. Last evaluated: 2025-10-03. Review status: criteria provided, single submitter. Criteria: Invitae Variant Classification Sherloc (09022015). Collection method: clinical testing. Allele origin: germline.
Comment: This sequence change replaces leucine, which is neutral and non-polar, with isoleucine, which is neutral and non-polar, at codon 440 of the SHOC2 protein (p.Leu440Ile). This variant is present in population databases (rs759910472, gnomAD 0.003%). This variant has not been reported in the literature in individuals affected with SHOC2-related conditions. ClinVar contains an entry for this variant (Variation ID: 1306308). Invitae Evidence Modeling of protein sequence and biophysical properties (such as structural, functional, and spatial information, amino acid conservation, physicochemical variation, residue mobility, and thermodynamic stability) indicates that this missense variant is not expected to disrupt SHOC2 protein function with a negative predictive value of 80%. In summary, the available evidence is currently insufficient to determine the role of this variant in disease. Therefore, it has been classified as a Variant of Uncertain Significance.

Dasa
Classification: Uncertain significance. Last evaluated: 2025-09-21. Review status: criteria provided, single submitter. Criteria: DASA Assertion Criteria. Collection method: clinical testing. Allele origin: germline.
Comment: NM_007373.4(SHOC2):c.1318C>A (p.Leu440Ile) is a missense variant that results in the substitution of leucine with isoleucine. This variant is rare in population databases. The currently available literature and clinical evidence are not sufficient to establish a definitive association between this variant and the reported condition. Therefore, this variant is classified as a variant of uncertain significance.

Women's Health and Genetics/Laboratory Corporation of America, LabCorp
Classification: Uncertain significance. Last evaluated: 2024-06-04. Review status: criteria provided, single submitter. Criteria: LabCorp Variant Classification Summary - May 2015. Collection method: clinical testing. Allele origin: germline.

Blueprint Genetics
Classification: Uncertain significance. Last evaluated: 2020-12-09. Review status: criteria provided, single submitter. Criteria: ACMG Guidelines, 2015. Collection method: clinical testing. Allele origin: germline.

GeneDx
Classification: Uncertain significance. Last evaluated: 2019-06-04. Review status: criteria provided, single submitter. Criteria: GeneDx Variant Classification Process June 2021. Collection method: clinical testing. Allele origin: germline. Affected: yes.
Comment: Has not been previously published as pathogenic or benign to our knowledge; In silico analysis, which includes protein predictors and evolutionary conservation, supports that this variant does not alter protein structure/function